The following is an entry in ClinVar:

NM_203446.3(SYNJ1):c.564A>C (p.Glu188Asp)

Gene: SYNJ1 (synaptojanin 1; minus strand). Cytogenetic location: 21q22.11.
Variant type: single nucleotide variant.
Coding change: c.564A>C on transcript NM_203446.3 (MANE Select); coding-DNA position 564, A replaced by C.
Protein change: p.Glu188Asp; replaces glutamic acid 188 with aspartic acid.
Molecular consequence: missense variant.
Genome position (GRCh38, 1-based): chr21:32,695,198, T>G on the plus strand (A>C on the coding strand, the complement: SYNJ1 is on the minus strand). VCF-style: chr21-32695198-T-G. GRCh37 (hg19) VCF-style: chr21-34067508-T-G.
Other names: c.564A>C, p.Glu188Asp (NM_001160302.2, NM_001160306.2); c.681A>C, p.Glu227Asp (NM_003895.4); short protein forms E227D, E188D.
Identifiers: ClinVar variation 846518 (VCV000846518.10), dbSNP rs1423467857, ClinGen allele CA410098496.

ClinVar aggregate classification (germline): Uncertain significance (1 of 4 stars; one submission).

Conditions:
Developmental and epileptic encephalopathy, 53. Also called: Epileptic encephalopathy, early infantile, 53. Identifiers: MedGen C4479313, MONDO:0033362, OMIM 617389.
Early-onset Parkinson disease 20. Also called: PARKINSON DISEASE 20, AUTOSOMAL RECESSIVE EARLY-ONSET. Identifiers: Orphanet 391411, MedGen C3809824, MONDO:0014233, OMIM 615530.

Allele frequency attached by ClinVar (database versions not stated): gnomAD exomes below 0.00001; TOPMed below 0.00001; gnomAD 0.00001.
gnomAD v4.1: 3 of 1,614,030 alleles (0.00019%); highest among the groups gnomAD compares: Non-Finnish European, 0.00025%; no homozygotes.

Submission:

Labcorp Genetics (formerly Invitae), Labcorp
Classification: Uncertain significance for Developmental and epileptic encephalopathy, 53; Early-onset Parkinson disease 20. Last evaluated: 2019-07-26. Review status: criteria provided, single submitter. Criteria: Invitae Variant Classification Sherloc (09022015). Collection method: clinical testing. Allele origin: germline.
Comment: This sequence change replaces glutamic acid with aspartic acid at codon 227 of the SYNJ1 protein (p.Glu227Asp). The glutamic acid residue is highly conserved and there is a small physicochemical difference between glutamic acid and aspartic acid. This variant is not present in population databases (ExAC no frequency). This variant has not been reported in the literature in individuals with SYNJ1-related conditions. Algorithms developed to predict the effect of missense changes on protein structure and function (SIFT, PolyPhen-2, Align-GVGD) all suggest that this variant is likely to be tolerated, but these predictions have not been confirmed by published functional studies and their clinical significance is uncertain. In summary, the available evidence is currently insufficient to determine the role of this variant in disease. Therefore, it has been classified as a Variant of Uncertain Significance.